The following is an entry in ClinVar:

NM_004360.5(CDH1):c.426T>C (p.Phe142=)

Gene: CDH1 (cadherin 1; plus strand). Cytogenetic location: 16q22.1.
Variant type: single nucleotide variant.
Coding change: c.426T>C on transcript NM_004360.5 (MANE Select); coding-DNA position 426, T replaced by C.
Protein change: p.Phe142=; no amino-acid change (phenylalanine 142 retained).
Molecular consequence: synonymous variant. On other transcripts: 5 prime UTR variant (2).
Genome position (GRCh38, 1-based): chr16:68,808,462, T>C. VCF-style: chr16-68808462-T-C. GRCh37 (hg19) VCF-style: chr16-68842365-T-C.
Other names: c.426T>C, p.Phe142= (NM_001317184.2); c.-1190T>C (NM_001317185.2); c.-1394T>C (NM_001317186.2).
Identifiers: ClinVar variation 3378649 (VCV003378649.1).

ClinVar aggregate classification (germline): Benign (1 of 4 stars; one submission).

Conditions:
Hereditary diffuse gastric adenocarcinoma (HDGC). Also called: DIFFUSE GASTRIC AND LOBULAR BREAST CANCER SYNDROME. Identifiers: Orphanet 26106, MedGen C1708349, MONDO:0007648, OMIM 137215.

Submission:

Myriad Genetics, Inc.
Classification: Benign for Hereditary diffuse gastric adenocarcinoma. Last evaluated: 2024-09-12. Review status: criteria provided, single submitter. Criteria: Myriad Autosomal Dominant, Autosomal Recessive and X-Linked Classification Criteria (2023). Collection method: clinical testing. Allele origin: unknown.
Comment: This variant is considered benign. This variant is a silent/synonymous amino acid change and it is not expected to impact splicing.